The following is an entry in ClinVar:

NM_004336.5(BUB1):c.1757G>A (p.Cys586Tyr)

Gene: BUB1 (BUB1 mitotic checkpoint serine/threonine kinase; minus strand). Cytogenetic location: 2q13.
Variant type: single nucleotide variant.
Coding change: c.1757G>A on transcript NM_004336.5 (MANE Select); coding-DNA position 1757, G replaced by A.
Protein change: p.Cys586Tyr; replaces cysteine 586 with tyrosine.
Molecular consequence: missense variant.
Genome position (GRCh38, 1-based): chr2:110,655,858, C>T on the plus strand (G>A on the coding strand, the complement: BUB1 is on the minus strand). VCF-style: chr2-110655858-C-T. GRCh37 (hg19) VCF-style: chr2-111413435-C-T.
Other names: c.1697G>A, p.Cys566Tyr (NM_001278616.2); c.1757G>A, p.Cys586Tyr (NM_001278617.2); short protein forms C566Y, C586Y.
Identifiers: ClinVar variation 1779494 (VCV001779494.3), dbSNP rs2104534367, ClinGen allele CA348210897.

ClinVar aggregate classification (germline): Uncertain significance (1 of 4 stars; one submission).

Submission:

Ambry Genetics
Classification: Uncertain significance. Last evaluated: 2023-07-16. Review status: criteria provided, single submitter. Criteria: Ambry Variant Classification Scheme 2023. Collection method: clinical testing. Allele origin: germline.
Comment: The p.C586Y variant (also known as c.1757G>A), located in coding exon 16 of the BUB1 gene, results from a G to A substitution at nucleotide position 1757. The cysteine at codon 586 is replaced by tyrosine, an amino acid with highly dissimilar properties. This amino acid position is conserved. In addition, this alteration is predicted to be tolerated by in silico analysis. Since supporting evidence is limited at this time, the clinical significance of this alteration remains unclear.